The following is an entry in ClinVar:

ClinVar aggregate classification (germline): Uncertain significance. Review status: criteria provided, multiple submitters, no conflicts (2 of 4 stars). 2 submissions from 2 submitters: Uncertain significance (2). Last evaluated 2025-11-29.

Conditions:
Inborn genetic diseases. Identifiers: MedGen C0950123, MeSH D030342.

Allele frequency attached by ClinVar (database versions not stated): gnomAD 0.00003; TOPMed 0.00001; gnomAD exomes 0.00001; ExAC 0.00003.
gnomAD v4.1: 24 of 1,607,678 alleles (0.0015%); highest among the groups gnomAD compares: Middle Eastern, 0.016%; no homozygotes.

Submissions (2):

Labcorp Genetics (formerly Invitae), Labcorp
Classification: Uncertain significance. Last evaluated: 2025-11-29. Review status: criteria provided, single submitter. Criteria: Invitae Variant Classification Sherloc (09022015). Collection method: clinical testing. Allele origin: germline.
Comment: This sequence change replaces serine, which is neutral and polar, with leucine, which is neutral and non-polar, at codon 46 of the SLC9A3R1 protein (p.Ser46Leu). This variant is present in population databases (rs776990193, gnomAD 0.005%). This variant has not been reported in the literature in individuals affected with SLC9A3R1-related conditions. ClinVar contains an entry for this variant (Variation ID: 2967001). An algorithm developed to predict the effect of missense changes on protein structure and function (PolyPhen-2) suggests that this variant is likely to be disruptive. In summary, the available evidence is currently insufficient to determine the role of this variant in disease. Therefore, it has been classified as a Variant of Uncertain Significance.

Ambry Genetics
Classification: Uncertain significance for Inborn genetic diseases. Last evaluated: 2021-08-12. Review status: criteria provided, single submitter. Criteria: Ambry Variant Classification Scheme 2023. Collection method: clinical testing. Allele origin: germline.

NM_004252.5(NHERF1):c.137C>T (p.Ser46Leu)

Genes: NHERF1 (NHERF family PDZ scaffold protein 1; plus strand), SLC9A3R1-AS1 (SLC9A3R1 antisense RNA 1; minus strand). Cytogenetic location: 17q25.1.
Variant type: single nucleotide variant.
Coding change: c.137C>T on transcript NM_004252.5 (MANE Select); coding-DNA position 137, C replaced by T.
Protein change: p.Ser46Leu; replaces serine 46 with leucine.
Molecular consequence: missense variant.
Genome position (GRCh38, 1-based): chr17:74,748,983, C>T. VCF-style: chr17-74748983-C-T. GRCh37 (hg19) VCF-style: chr17-72745122-C-T.
Other names: c.137C>T (NM_004252.3); short protein forms S46L.
Identifiers: ClinVar variation 2967001 (VCV002967001.4), dbSNP rs776990193, ClinGen allele CA8750543.